The following is an entry in ClinVar:

NM_006306.4(SMC1A):c.3491A>G (p.Asn1164Ser)

Gene: SMC1A (structural maintenance of chromosomes 1A; minus strand). Cytogenetic location: Xp11.22.
Variant type: single nucleotide variant.
Coding change: c.3491A>G on transcript NM_006306.4 (MANE Select); coding-DNA position 3491, A replaced by G.
Protein change: p.Asn1164Ser; replaces asparagine 1164 with serine.
Molecular consequence: missense variant.
Genome position (GRCh38, 1-based): chrX:53,381,034, T>C on the plus strand (A>G on the coding strand, the complement: SMC1A is on the minus strand). VCF-style: chrX-53381034-T-C. GRCh37 (hg19) VCF-style: chrX-53407955-T-C.
Other names: c.3425A>G, p.Asn1142Ser (NM_001281463.1); short protein forms N1142S, N1164S.
Identifiers: ClinVar variation 3898654 (VCV003898654.7).
Genomic context (GRCh38, chrX:53,381,034, plus strand): 5'-GACCTGGGGGCATCCCTCCCAGGCCCCACTTTCTTTGCACCCACCTTGCCAATGTTGGTG[T>C]TATCCAAGGCAGCATCAATCTCATCCAGGACGAAGAAGGGGGCTGGCTTGTAGCTGGGAG-3'
Protein context (NP_006297.2, residues 1154-1174): VLDEIDAALD[Asn1164Ser]TNIGKVANYI

ClinVar aggregate classification (germline): Uncertain significance (1 of 4 stars; one submission).

Submission:

CeGaT Center for Human Genetics Tuebingen
Classification: Uncertain significance. Last evaluated: 2025-04-01. Review status: criteria provided, single submitter. Criteria: CeGaT Center For Human Genetics Tuebingen Variant Classification Criteria Version 2. Collection method: clinical testing. Allele origin: germline. Affected: yes. Observed: 2 variant alleles.
Comment: SMC1A: PM2, PM5, PP2